The following is an entry in ClinVar:

ClinVar aggregate classification (germline): Uncertain significance (1 of 4 stars; one submission).

Submission:

Dasa
Classification: Uncertain significance. Last evaluated: 2025-05-16. Review status: criteria provided, single submitter. Criteria: DASA Assertion Criteria. Collection method: clinical testing. Allele origin: germline.
Comment: NM_000089.4(COL1A2):c.1770A>C (p.Glu590Asp) is a missense variant that results in the substitution of glutamic acid with aspartic acid. This variant is absent from population databases. Computational prediction algorithms are consistent with a benign effect. The currently available literature and clinical evidence are not sufficient to establish a definitive association between this variant and the reported condition. Therefore, this variant is classified as a variant of uncertain significance.

NM_000089.4(COL1A2):c.1770A>C (p.Glu590Asp)

Gene: COL1A2 (collagen type I alpha 2 chain; plus strand). Cytogenetic location: 7q21.3.
Variant type: single nucleotide variant.
Coding change: c.1770A>C on transcript NM_000089.4 (MANE Select); coding-DNA position 1770, A replaced by C.
Protein change: p.Glu590Asp; replaces glutamic acid 590 with aspartic acid.
Molecular consequence: missense variant.
Genome position (GRCh38, 1-based): chr7:94,416,410, A>C. VCF-style: chr7-94416410-A-C. GRCh37 (hg19) VCF-style: chr7-94045722-A-C.
Other names: short protein forms E590D.
Identifiers: ClinVar variation 4881282 (VCV004881282.2).